The following is an entry in ClinVar:

ClinVar aggregate classification (germline): Pathogenic (1 of 4 stars; one submission).

Conditions:
Hypertrophic cardiomyopathy 12. Identifiers: MedGen C2677491, MONDO:0012804, OMIM 612124.
Dilated cardiomyopathy 1M (CMD1M). Identifiers: Orphanet 154, MedGen C1843808, MONDO:0011840, OMIM 607482.

Submission:

Labcorp Genetics (formerly Invitae), Labcorp
Classification: Pathogenic for Hypertrophic cardiomyopathy 12; Dilated cardiomyopathy 1M. Last evaluated: 2024-04-17. Review status: criteria provided, single submitter. Criteria: Invitae Variant Classification Sherloc (09022015). Collection method: clinical testing. Allele origin: germline.
Comment: This sequence change results in a frameshift in the CSRP3 gene (p.Arg28Valfs*179). While this is not anticipated to result in nonsense mediated decay, it is expected to disrupt the last 167 amino acid(s) of the CSRP3 protein and extend the protein by 11 additional amino acid residues. This variant is not present in population databases (gnomAD no frequency). This variant has not been reported in the literature in individuals affected with CSRP3-related conditions. ClinVar contains an entry for this variant (Variation ID: 1418855). This variant disrupts a region of the CSRP3 protein in which other variant(s) (p.Cys150Tyr) have been determined to be pathogenic (PMID: 23396983, 25351510, 33035702; Invitae). This suggests that this is a clinically significant region of the protein, and that variants that disrupt it are likely to be disease-causing. For these reasons, this variant has been classified as Pathogenic.

Literature cited by the submitters: PubMed 23396983; PubMed 25351510; PubMed 33035702.

NM_003476.5(CSRP3):c.82_85del (p.Arg28fs)

Gene: CSRP3 (cysteine and glycine rich protein 3; minus strand). Cytogenetic location: 11p15.1.
Variant type: Deletion.
Coding change: c.82_85del on transcript NM_003476.5 (MANE Select); coding-DNA positions 82 to 85, 4 bases deleted (AGGA; older notation c.82_85delAGGA).
Protein change: p.Arg28fs; shifts the reading frame from arginine 28.
Molecular consequence: frameshift variant.
Genome position (GRCh38, 1-based): chr11:19,192,364-19,192,367, TCCT deleted on the plus strand (AGGA on the coding strand, the reverse complement: CSRP3 is on the minus strand); deleting any 4 consecutive bases within chr11:19,192,364-19,192,370 gives the same sequence; the c. name uses the placement nearest the transcript's 3' end. VCF-style (leftmost placement, unchanged base first): chr11-19192363-CTCCT-C. GRCh37 (hg19) VCF-style: chr11-19213910-CTCCT-C.
Other names: c.82_85del, p.Arg28fs (NM_001369404.1); short protein forms R28fs.
Identifiers: ClinVar variation 1418855 (VCV001418855.6), dbSNP rs2133516329, ClinGen allele CA2573146123.